The following is an entry in ClinVar:

ClinVar aggregate classification (germline): Uncertain significance. Review status: criteria provided, multiple submitters, no conflicts (2 of 4 stars). 2 submissions from 2 submitters: Uncertain significance (2). Last evaluated 2025-11-03.

Conditions:
Combined immunodeficiency due to LRBA deficiency. Also called: Common variable immunodeficiency 8, with autoimmunity. Identifiers: Orphanet 445018, MedGen C3553512, MONDO:0013863, OMIM 614700.

Allele frequency attached by ClinVar (database versions not stated): gnomAD 0.00001; TOPMed 0.00001; ExAC 0.00002.

Submissions (2):

Labcorp Genetics (formerly Invitae), Labcorp
Classification: Uncertain significance for Combined immunodeficiency due to LRBA deficiency. Last evaluated: 2025-11-03. Review status: criteria provided, single submitter. Criteria: Invitae Variant Classification Sherloc (09022015). Collection method: clinical testing. Allele origin: germline.
Comment: This sequence change replaces isoleucine, which is neutral and non-polar, with valine, which is neutral and non-polar, at codon 2575 of the LRBA protein (p.Ile2575Val). This variant is present in population databases (rs200047974, gnomAD 0.006%). This variant has not been reported in the literature in individuals affected with LRBA-related conditions. ClinVar contains an entry for this variant (Variation ID: 849670). Invitae Evidence Modeling of protein sequence and biophysical properties (such as structural, functional, and spatial information, amino acid conservation, physicochemical variation, residue mobility, and thermodynamic stability) indicates that this missense variant is not expected to disrupt LRBA protein function with a negative predictive value of 80%. Algorithms developed to predict the effect of sequence changes on RNA splicing suggest that this variant may create or strengthen a splice site. In summary, the available evidence is currently insufficient to determine the role of this variant in disease. Therefore, it has been classified as a Variant of Uncertain Significance.

Genetic Services Laboratory, University of Chicago
Classification: Uncertain significance. Last evaluated: 2019-01-23. Review status: criteria provided, single submitter. Criteria: ACMG Guidelines, 2015. Collection method: clinical testing. Allele origin: germline. Affected: no.

NM_001364905.1(LRBA):c.7690A>G (p.Ile2564Val)

Gene: LRBA (LPS responsive beige-like anchor protein; minus strand). Cytogenetic location: 4q31.3.
Variant type: single nucleotide variant.
Coding change: c.7690A>G on transcript NM_001364905.1 (MANE Select); coding-DNA position 7690, A replaced by G.
Protein change: p.Ile2564Val; replaces isoleucine 2564 with valine.
Molecular consequence: missense variant.
Genome position (GRCh38, 1-based): chr4:150,315,564, T>C on the plus strand (A>G on the coding strand, the complement: LRBA is on the minus strand). VCF-style: chr4-150315564-T-C. GRCh37 (hg19) VCF-style: chr4-151236716-T-C.
Other names: c.7690A>G, p.Ile2564Val (NM_001199282.3); c.7705A>G, p.Ile2569Val (NM_001367550.1); c.7723A>G, p.Ile2575Val (NM_006726.5); short protein forms I2575V, I2569V, I2564V.
Identifiers: ClinVar variation 849670 (VCV000849670.11), dbSNP rs200047974, ClinGen allele CA3101565.